The following is an entry in ClinVar:

NM_133372.3(FNIP1):c.1666_1676dup (p.Asp559fs)

Gene: FNIP1 (folliculin interacting protein 1; minus strand). Cytogenetic location: 5q31.1.
Variant type: Duplication.
Coding change: c.1666_1676dup on transcript NM_133372.3 (MANE Select); coding-DNA positions 1666 to 1676, 11 bases duplicated (AATGGAGAAGA).
Protein change: p.Asp559fs; shifts the reading frame from aspartic acid 559.
Molecular consequence: frameshift variant.
Genome position (GRCh38, 1-based): chr5:131,672,768-131,672,778, TCTTCTCCATT duplicated on the plus strand (AATGGAGAAGA on the coding strand, the reverse complement: FNIP1 is on the minus strand); duplicating any 11 consecutive bases within chr5:131,672,768-131,672,779 gives the same sequence; the c. name uses the placement nearest the transcript's 3' end. VCF-style (leftmost placement, unchanged base first): chr5-131672767-A-ATCTTCTCCATT. GRCh37 (hg19) VCF-style: chr5-131008460-A-ATCTTCTCCATT.
Other names: c.1582_1592dup, p.Asp531fs (NM_001008738.3); c.1531_1541dup, p.Asp514fs (NM_001346114.2); short protein forms D514fs, D531fs, D559fs.
Identifiers: ClinVar variation 2809950 (VCV002809950.3), dbSNP rs2532128437, ClinGen allele CA2739275018.

ClinVar aggregate classification (germline): Pathogenic (1 of 4 stars; one submission).

Submission:

Labcorp Genetics (formerly Invitae), Labcorp
Classification: Pathogenic. Last evaluated: 2026-01-21. Review status: criteria provided, single submitter. Criteria: Invitae Variant Classification Sherloc (09022015). Collection method: clinical testing. Allele origin: germline.
Comment: This sequence change creates a premature translational stop signal (p.Asp559Glufs*14) in the FNIP1 gene. It is expected to result in an absent or disrupted protein product. Loss-of-function variants in FNIP1 are known to be pathogenic (PMID: 32181500, 32905580). This variant is not present in population databases (gnomAD no frequency). This variant has not been reported in the literature in individuals affected with FNIP1-related conditions. ClinVar contains an entry for this variant (Variation ID: 2809950). For these reasons, this variant has been classified as Pathogenic.

Literature cited by the submitters: PubMed 32181500; PubMed 32905580.